The following is an entry in ClinVar:

NC_000009.11:g.(?_304561)_(340341_?)del

Gene: DOCK8 (dedicator of cytokinesis 8; plus strand). Cytogenetic location: 9p24.3.
Variant type: Deletion.
Identifiers: ClinVar variation 3245209 (VCV003245209.1).

ClinVar aggregate classification (germline): Pathogenic (1 of 4 stars; one submission).

Submission:

Labcorp Genetics (formerly Invitae), Labcorp
Classification: Pathogenic. Last evaluated: 2023-09-03. Review status: criteria provided, single submitter. Criteria: Invitae Variant Classification Sherloc (09022015). Collection method: clinical testing. Allele origin: unknown.
Comment: This variant disrupts a region of the DOCK8 protein in which other variant(s) (p.Lys473Arg) have been determined to be pathogenic (PMID: 20004785; Invitae). This suggests that this is a clinically significant region of the protein, and that variants that disrupt it are likely to be disease-causing. This variant is a gross deletion of the genomic region encompassing exon(s) 5-14 of the DOCK8 gene. This variant would be expected to be in-frame, preserving the integrity of the reading frame. This variant has not been reported in the literature in individuals affected with DOCK8-related conditions. For these reasons, this variant has been classified as Pathogenic.

Literature cited by the submitters: PubMed 20004785.